The following is an entry in ClinVar:

ClinVar aggregate classification (germline): Likely benign. Review status: criteria provided, single submitter (1 of 4 stars). 2 submissions from 2 submitters: Likely benign (1). 1 of the submissions does not count toward it. Last evaluated 2025-06-12.

Conditions:
XPO5-related disorder. Also called: XPO5-related condition.

Allele frequency attached by ClinVar (database versions not stated): ExAC 0.00001; gnomAD 0.00002; ESP Exome Variant Server 0.00008; gnomAD exomes below 0.00001; TOPMed 0.00001.
gnomAD v4.1: 5 of 1,612,872 alleles (0.00031%); highest among the groups gnomAD compares: African/African-American, 0.004%; no homozygotes.

Submissions (2):

Labcorp Genetics (formerly Invitae), Labcorp
Classification: Likely benign. Last evaluated: 2025-06-12. Review status: criteria provided, single submitter. Criteria: Invitae Variant Classification Sherloc (09022015). Collection method: clinical testing. Allele origin: germline.

PreventionGenetics, part of Exact Sciences
Classification: Likely benign for XPO5-related condition. Last evaluated: 2021-09-09. Review status: no assertion criteria provided. Collection method: clinical testing. Allele origin: germline. Not counted in ClinVar's aggregate classification.
Comment: This variant is classified as likely benign based on ACMG/AMP sequence variant interpretation guidelines (Richards et al. 2015 PMID: 25741868, with internal and published modifications).

NM_020750.3(XPO5):c.330C>T (p.Asn110=)

Gene: XPO5 (exportin 5; minus strand). Cytogenetic location: 6p21.1.
Variant type: single nucleotide variant.
Coding change: c.330C>T on transcript NM_020750.3 (MANE Select); coding-DNA position 330, C replaced by T.
Protein change: p.Asn110=; no amino-acid change (asparagine 110 retained).
Molecular consequence: synonymous variant. On other transcripts: non-coding transcript variant (1).
Genome position (GRCh38, 1-based): chr6:43,570,965, G>A on the plus strand (C>T on the coding strand, the complement: XPO5 is on the minus strand). VCF-style: chr6-43570965-G-A. GRCh37 (hg19) VCF-style: chr6-43538702-G-A.
Identifiers: ClinVar variation 2086352 (VCV002086352.6), dbSNP rs367803997, ClinGen allele CA3826738.